The following is an entry in ClinVar:

NM_001083961.2(WDR62):c.3073del (p.His1025fs)

Gene: WDR62 (WD repeat domain 62; plus strand). Cytogenetic location: 19q13.12.
Variant type: Deletion.
Coding change: c.3073del on transcript NM_001083961.2 (MANE Select); coding-DNA position 3073, one base deleted (C; older notation c.3073delC).
Protein change: p.His1025fs; shifts the reading frame from histidine 1025.
Molecular consequence: frameshift variant.
Genome position (GRCh38, 1-based): chr19:36,101,765, C deleted; the last of 4 consecutive C bases (chr19:36,101,762-36,101,765); deleting any one gives the same sequence. VCF-style (leftmost placement, unchanged base first): chr19-36101761-GC-G. GRCh37 (hg19) VCF-style: chr19-36592663-GC-G.
Other names: c.3073del, p.His1025fs (NM_173636.5); short protein forms H1025fs.
Identifiers: ClinVar variation 1333771 (VCV001333771.2), dbSNP rs1372708280, ClinGen allele CA632786883.

ClinVar aggregate classification (germline): Conflicting classifications of pathogenicity. Review status: criteria provided, conflicting classifications (1 of 4 stars). 2 submissions from 2 submitters: Likely pathogenic (1); Uncertain significance (1). Last evaluated 2025-11-03.

Conditions:
Microcephaly 2, primary, autosomal recessive, with or without cortical malformations. Also called: WDR62 Primary Microcephaly; MICROCEPHALY 2, PRIMARY, AUTOSOMAL RECESSIVE, WITH CORTICAL MALFORMATIONS. Identifiers: Orphanet 2512, MedGen C1858535, MONDO:0011435, OMIM 604317.

Submissions (2):

3billion
Classification: Likely pathogenic for Microcephaly 2, primary, autosomal recessive, with or without cortical malformations. Last evaluated: 2025-11-03. Review status: criteria provided, single submitter. Criteria: ACMG Guidelines, 2015. Collection method: clinical testing. Allele origin: germline. Affected: yes.
Comment: The variant is observed at an extremely low frequency in the gnomAD v4.1.0 dataset (total allele frequency: <0.001%). Predicted Consequence/Location: Frameshift: predicted to result in a loss or disruption of normal protein function through nonsense-mediated decay (NMD) or protein truncation. Multiple pathogenic variants are reported downstream of the variant. The variant has been reported as of uncertain significance (ClinVar ID: VCV001333771). Therefore, this variant is classified as Likely pathogenic according to the recommendation of ACMG/AMP guideline.

CENTOGENE GmbH and LLC - Guiding Precision Medicine
Classification: Uncertain significance for Microcephaly 2, primary, autosomal recessive, with or without cortical malformations. Last evaluated: 2021-05-01. Review status: criteria provided, single submitter. Criteria: ACMG Guidelines, 2015. Collection method: clinical testing. Allele origin: germline. Affected: yes.